The following is an entry in ClinVar:

NM_021102.4(SPINT2):c.400A>G (p.Thr134Ala)

Gene: SPINT2 (serine peptidase inhibitor, Kunitz type 2; plus strand). Cytogenetic location: 19q13.2.
Variant type: single nucleotide variant.
Coding change: c.400A>G on transcript NM_021102.4 (MANE Select); coding-DNA position 400, A replaced by G.
Protein change: p.Thr134Ala; replaces threonine 134 with alanine.
Molecular consequence: missense variant.
Genome position (GRCh38, 1-based): chr19:38,290,127, A>G. VCF-style: chr19-38290127-A-G. GRCh37 (hg19) VCF-style: chr19-38780767-A-G.
Other names: c.229A>G, p.Thr77Ala (NM_001166103.2); short protein forms T134A, T77A.
Identifiers: ClinVar variation 1468759 (VCV001468759.8), dbSNP rs373217031, ClinGen allele CA9411472.

ClinVar aggregate classification (germline): Uncertain significance (1 of 4 stars; one submission).

Allele frequency attached by ClinVar (database versions not stated): gnomAD exomes below 0.00001 and 0.00002; ExAC 0.00001; gnomAD 0.00001; TOPMed 0.00002; ESP Exome Variant Server 0.00008.
gnomAD v4.1: 8 of 1,612,350 alleles (0.0005%); highest among the groups gnomAD compares: African/African-American, 0.011%; no homozygotes.

Submission:

Labcorp Genetics (formerly Invitae), Labcorp
Classification: Uncertain significance. Last evaluated: 2021-04-11. Review status: criteria provided, single submitter. Criteria: Invitae Variant Classification Sherloc (09022015). Collection method: clinical testing. Allele origin: germline.
Comment: In summary, the available evidence is currently insufficient to determine the role of this variant in disease. Therefore, it has been classified as a Variant of Uncertain Significance. Algorithms developed to predict the effect of missense changes on protein structure and function output the following: SIFT: "Tolerated"; PolyPhen-2: "Benign"; Align-GVGD: "Class C0". The alanine amino acid residue is found in multiple mammalian species, suggesting that this missense change does not adversely affect protein function. These predictions have not been confirmed by published functional studies and their clinical significance is uncertain. This variant has not been reported in the literature in individuals with SPINT2-related conditions. This variant is present in population databases (rs373217031, ExAC 0.01%). This sequence change replaces threonine with alanine at codon 134 of the SPINT2 protein (p.Thr134Ala). The threonine residue is weakly conserved and there is a small physicochemical difference between threonine and alanine.